The following is an entry in ClinVar:

NM_007214.5(SEC63):c.958_959dup (p.Asp321fs)

Gene: SEC63 (SEC63 protein translocation regulator; minus strand). Cytogenetic location: 6q21.
Variant type: Duplication.
Coding change: c.958_959dup on transcript NM_007214.5 (MANE Select); coding-DNA positions 958 to 959, 2 bases duplicated (GA; older notation c.958_959dupGA).
Protein change: p.Asp321fs; shifts the reading frame from aspartic acid 321.
Molecular consequence: frameshift variant.
Genome position (GRCh38, 1-based): chr6:107,906,450-107,906,451, TC duplicated on the plus strand (GA on the coding strand, the reverse complement: SEC63 is on the minus strand); duplicating any 2 consecutive bases within chr6:107,906,450-107,906,452 gives the same sequence; the c. name uses the placement nearest the transcript's 3' end. VCF-style (leftmost placement, unchanged base first): chr6-107906449-T-TTC. GRCh37 (hg19) VCF-style: chr6-108227653-T-TTC.
Other names: short protein forms D321fs.
Identifiers: ClinVar variation 4999880 (VCV004999880.1).
Genomic context (GRCh38, chr6:107,906,449, plus strand): 5'-TAATTAATTCTGCTGCTTTCATCCCACTAAACCTCTGTAGATACCGGAATCACAAATACC[T>TTC]TCTTCAAGGGTCTCAGGAATTTTCATTCTAGCAAGATGAGACAGTAAAAGAACTCTGGCC-3'

ClinVar aggregate classification (germline): Likely pathogenic (1 of 4 stars; one submission).

Conditions:
SEC63-related disorder. Also called: SEC63-related condition.

Submission:

PreventionGenetics, part of Exact Sciences
Classification: Likely pathogenic for SEC63-related condition. Last evaluated: 2025-02-04. Review status: criteria provided, single submitter. Criteria: ACMG Guidelines, 2015. Collection method: clinical testing. Allele origin: germline.
Comment: The SEC63 c.958_959dupGA variant is predicted to result in a frameshift and premature protein termination (p.Asp321Lysfs*7). To our knowledge, this variant has not been reported in the literature or in a large population database (gnomAD), indicating this variant is rare. Frameshift variants in SEC63 are expected to be pathogenic. This variant is interpreted as likely pathogenic.